The following is an entry in ClinVar:

ClinVar aggregate classification (germline): Likely pathogenic (1 of 4 stars; one submission).

Conditions:
Gaze palsy, familial horizontal, with progressive scoliosis 1 (HGPPS1). Identifiers: Orphanet 2744, MedGen C4551964, MONDO:0020790, OMIM 607313.

Submission:

Kasturba Medical College, Manipal, Kasturba Medical College, Manipal, Manipal Academy of Higher Education, Manipal, India
Classification: Likely pathogenic for Gaze palsy, familial horizontal, with progressive scoliosis 1. Review status: criteria provided, single submitter. Criteria: ACMG Guidelines, 2015. Collection method: research. Allele origin: biparental. Inheritance: Autosomal recessive inheritance. Affected: yes. Observed: 1 homozygote.
Comment: This variant is absent in population database gnomAD (v4.0.0) and our in-house database of 3680 exomes. This duplication likely causes shift in the reading frame of the transcript which likely introduces a premature termination codon and may result in a formation of truncated protein or transcript may undergo nonsense-mediated mRNA decay. The clinical findings observed in proband are in concordance with gaze palsy, familial horizontal, with progressive scoliosis, 1.

NM_022370.4(ROBO3):c.2697_2710dup (p.Leu904fs)

Genes: ROBO3 (roundabout guidance receptor 3; plus strand), LOC130007006 (ATAC-STARR-seq lymphoblastoid silent region 4035; plus strand). Cytogenetic location: 11q24.2.
Variant type: Duplication.
Coding change: c.2697_2710dup on transcript NM_022370.4 (MANE Select); coding-DNA positions 2697 to 2710, 14 bases duplicated (AGCCTGCGGGGCGC).
Protein change: p.Leu904fs; shifts the reading frame from leucine 904.
Molecular consequence: frameshift variant. On other transcripts: 5 prime UTR variant (1), non-coding transcript variant (1).
Genome position (GRCh38, 1-based): chr11:124,876,378-124,876,391, AGCCTGCGGGGCGC duplicated; duplicating any 14 consecutive bases within chr11:124,876,373-124,876,391 gives the same sequence; the c. name uses the placement nearest the transcript's 3' end. VCF-style (leftmost placement, unchanged base first): chr11-124876372-C-CGGCGCAGCCTGCGG. GRCh37 (hg19) VCF-style: chr11-124746268-C-CGGCGCAGCCTGCGG.
Other names: c.-157_-144dup (NM_001370356.1); short protein forms L904fs.
Identifiers: ClinVar variation 3906992 (VCV003906992.1).